The following is an entry in ClinVar:

NM_000202.8(IDS):c.1255C>A (p.Pro419Thr)

Gene: IDS (iduronate 2-sulfatase; minus strand). Cytogenetic location: Xq28.
Variant type: single nucleotide variant.
Coding change: c.1255C>A on transcript NM_000202.8 (MANE Select); coding-DNA position 1255, C replaced by A.
Protein change: p.Pro419Thr; replaces proline 419 with threonine.
Molecular consequence: missense variant.
Genome position (GRCh38, 1-based): chrX:149,483,144, G>T on the plus strand (C>A on the coding strand, the complement: IDS is on the minus strand). VCF-style: chrX-149483144-G-T. GRCh37 (hg19) VCF-style: chrX-148564675-G-T.
Other names: c.985C>A, p.Pro329Thr (NM_001166550.4); short protein forms P329T, P419T.
Identifiers: ClinVar variation 2797176 (VCV002797176.3), dbSNP rs2520757904, ClinGen allele CA414518483.

ClinVar aggregate classification (germline): Uncertain significance (1 of 4 stars; one submission).

Conditions:
Mucopolysaccharidosis, MPS-II (MPS2). Also called: Attenuated MPS (subtype; formerly known as mild MPS II); Severe MPS II; I2S deficiency; MPS 2; Mucopolysaccharidosis with skin involvement; Mucopolysaccharidosis type 2. Identifiers: Orphanet 580, Orphanet 79388, MedGen C0026705, MONDO:0010674, OMIM 309900.

Submission:

Labcorp Genetics (formerly Invitae), Labcorp
Classification: Uncertain significance for Mucopolysaccharidosis, MPS-II. Last evaluated: 2025-04-21. Review status: criteria provided, single submitter. Criteria: Invitae Variant Classification Sherloc (09022015). Collection method: clinical testing. Allele origin: germline.
Comment: This sequence change replaces proline, which is neutral and non-polar, with threonine, which is neutral and polar, at codon 419 of the IDS protein (p.Pro419Thr). This variant is not present in population databases (gnomAD no frequency). This variant has not been reported in the literature in individuals affected with IDS-related conditions. ClinVar contains an entry for this variant (Variation ID: 2797176). Invitae Evidence Modeling of protein sequence and biophysical properties (such as structural, functional, and spatial information, amino acid conservation, physicochemical variation, residue mobility, and thermodynamic stability) has been performed for this missense variant. However, the output from this modeling did not meet the statistical confidence thresholds required to predict the impact of this variant on IDS protein function. In summary, the available evidence is currently insufficient to determine the role of this variant in disease. Therefore, it has been classified as a Variant of Uncertain Significance.